The following is an entry in ClinVar:

ClinVar aggregate classification (germline): Likely benign. Review status: criteria provided, multiple submitters, no conflicts (2 of 4 stars). 2 submissions from 2 submitters: Likely benign (2). Last evaluated 2023-05-15.

Conditions:
Polyglandular autoimmune syndrome, type 1 (APS1). Also called: AUTOIMMUNE POLYENDOCRINE SYNDROME, TYPE I, WITH OR WITHOUT REVERSIBLE METAPHYSEAL DYSPLASIA; APS I; HYPOADRENOCORTICISM WITH HYPOPARATHYROIDISM AND SUPERFICIAL MONILIASIS; PGA I; Autoimmune polyendocrine syndrome type 1; Whitaker syndrome. Identifiers: Orphanet 3453, MedGen C0085859, MONDO:0009411, OMIM 240300.

Allele frequency attached by ClinVar (database versions not stated): gnomAD exomes below 0.00001.
gnomAD v4.1: 5 of 1,612,946 alleles (0.00031%); highest among the groups gnomAD compares: Non-Finnish European, 0.00017%; no homozygotes.

Submissions (2):

Labcorp Genetics (formerly Invitae), Labcorp
Classification: Likely benign for Polyglandular autoimmune syndrome, type 1. Last evaluated: 2023-05-15. Review status: criteria provided, single submitter. Criteria: Invitae Variant Classification Sherloc (09022015). Collection method: clinical testing. Allele origin: germline.

CeGaT Center for Human Genetics Tuebingen
Classification: Likely benign. Last evaluated: 2022-03-01. Review status: criteria provided, single submitter. Criteria: CeGaT Center For Human Genetics Tuebingen Variant Classification Criteria Version 2. Collection method: clinical testing. Allele origin: germline. Affected: yes. Observed: 1 variant allele.
Comment: AIRE: BP4, BP7

NM_000383.4(AIRE):c.297C>T (p.Ser99=)

Gene: AIRE (autoimmune regulator; plus strand). Cytogenetic location: 21q22.3.
Variant type: single nucleotide variant.
Coding change: c.297C>T on transcript NM_000383.4 (MANE Select); coding-DNA position 297, C replaced by T.
Protein change: p.Ser99=; no amino-acid change (serine 99 retained).
Molecular consequence: synonymous variant.
Genome position (GRCh38, 1-based): chr21:44,286,721, C>T. VCF-style: chr21-44286721-C-T. GRCh37 (hg19) VCF-style: chr21-45706604-C-T.
Identifiers: ClinVar variation 2652741 (VCV002652741.27), dbSNP rs2517876488, ClinGen allele CA512490255.